The following is an entry in ClinVar:

NM_000053.4(ATP7B):c.1725C>T (p.Cys575=)

Gene: ATP7B (ATPase copper transporting beta; minus strand). Cytogenetic location: 13q14.3.
Variant type: single nucleotide variant.
Coding change: c.1725C>T on transcript NM_000053.4 (MANE Select); coding-DNA position 1725, C replaced by T.
Protein change: p.Cys575=; no amino-acid change (cysteine 575 retained).
Molecular consequence: synonymous variant. On other transcripts: intron variant (3).
Genome position (GRCh38, 1-based): chr13:51,965,016, G>A on the plus strand (C>T on the coding strand, the complement: ATP7B is on the minus strand). VCF-style: chr13-51965016-G-A. GRCh37 (hg19) VCF-style: chr13-52539152-G-A.
Other names: c.1725C>T (NM_000053.3); c.1725C>T, p.Cys575= (NM_001005918.3, NM_001330578.2, NM_001330579.2 and 24 more transcripts); c.1392C>T, p.Cys464= (NM_001243182.2); c.1692C>T, p.Cys564= (NM_001406514.1, NM_001406524.1); c.1629C>T, p.Cys543= (NM_001406517.1, NM_001406518.1, NM_001406530.1 and 3 more transcripts); c.1296C>T, p.Cys432= (NM_001406539.1); c.1285+8919C>T (NM_001406548.1); c.1707+3428C>T (NM_001406547.1, NM_001406545.1).
Identifiers: ClinVar variation 2885820 (VCV002885820.6), dbSNP rs201925666, ClinGen allele CA6989241.
Genomic context (GRCh38, chr13:51,965,016, plus strand): 5'-GGCATAAGTGATGCCATTTGTCCTCGTGAGTTTGGACTCTATGTTGTGGACACAGGACGC[G>A]CAGGTCATCCCTGTGATCTGCAACACAGGATGGCAAGAATCCCACAGACCCAGGATCAAG-3'
Protein context (NP_000044.2, residues 565-585): NIELTITGMT[Cys575=]ASCVHNIESK

ClinVar aggregate classification (germline): Likely benign. Review status: criteria provided, multiple submitters, no conflicts (2 of 4 stars). 4 submissions from 4 submitters: Likely benign (4). Last evaluated 2025-11-12.

Conditions:
Inborn genetic diseases. Identifiers: MedGen C0950123, MeSH D030342.
Wilson disease (WND). Also called: Wilson's disease. Identifiers: Orphanet 905, MedGen C0019202, MONDO:0010200, OMIM 277900. Disease mechanism: loss of function.

Allele frequency attached by ClinVar (database versions not stated): gnomAD exomes 0.00001; TOPMed 0.00001; ExAC 0.00002; gnomAD 0.00002; ESP Exome Variant Server 0.00008.
gnomAD v4.1: 14 of 1,613,962 alleles (0.00087%); highest among the groups gnomAD compares: South Asian, 0.0044%; no homozygotes.

Submissions (4):

Labcorp Genetics (formerly Invitae), Labcorp
Classification: Likely benign for Wilson disease. Last evaluated: 2025-11-12. Review status: criteria provided, single submitter. Criteria: Invitae Variant Classification Sherloc (09022015). Collection method: clinical testing. Allele origin: germline.

Ambry Genetics
Classification: Likely benign for Inborn genetic diseases. Last evaluated: 2025-04-05. Review status: criteria provided, single submitter. Criteria: Ambry Variant Classification Scheme 2023. Collection method: clinical testing. Allele origin: germline.

All of Us Research Program, National Institutes of Health
Classification: Likely benign for Wilson disease. Last evaluated: 2023-07-10. Review status: criteria provided, single submitter. Criteria: ACMG Guidelines, 2015. Collection method: clinical testing. Allele origin: germline. Inheritance: Autosomal recessive inheritance. Observed: 1 variant allele, 1 heterozygote.
Comment: This study involves interpretation of variants in research participants for the purpose of population health screening. Participant phenotype was not available at the time of variant classification. Additional details can be found in publication PMID: 35346344, PMCID: PMC8962531

Color Diagnostics, LLC DBA Color Health
Classification: Likely benign for Wilson disease. Last evaluated: 2023-07-03. Review status: criteria provided, single submitter. Criteria: ACMG Guidelines, 2015. Collection method: clinical testing. Allele origin: germline.